The following is an entry in ClinVar:

NM_000548.5(TSC2):c.4719G>A (p.Glu1573=)

Gene: TSC2 (TSC complex subunit 2; plus strand). Cytogenetic location: 16p13.3.
Variant type: single nucleotide variant.
Coding change: c.4719G>A on transcript NM_000548.5 (MANE Select); coding-DNA position 4719, G replaced by A.
Protein change: p.Glu1573=; no amino-acid change (glutamic acid 1573 retained).
Molecular consequence: synonymous variant.
Genome position (GRCh38, 1-based): chr16:2,086,249, G>A. VCF-style: chr16-2086249-G-A. GRCh37 (hg19) VCF-style: chr16-2136250-G-A.
Other names: c.4518G>A, p.Glu1506= (NM_001077183.3); c.4650G>A, p.Glu1550= (NM_001114382.3); c.4410G>A, p.Glu1470= (NM_001318827.2); c.4374G>A, p.Glu1458= (NM_001318829.2); c.3987G>A, p.Glu1329= (NM_001318831.2); c.4551G>A, p.Glu1517= (NM_001318832.2); c.4521G>A, p.Glu1507= (NM_001363528.2); c.4587G>A, p.Glu1529= (NM_001370404.1); and 1 more.
Identifiers: ClinVar variation 536068 (VCV000536068.28), dbSNP rs766665967, ClinGen allele CA052352.

ClinVar aggregate classification (germline): Benign/Likely benign. Review status: criteria provided, multiple submitters, no conflicts (2 of 4 stars). 11 submissions from 11 submitters: Benign (4); Likely benign (7). Last evaluated 2026-01-28.

Conditions:
Lymphangiomyomatosis (LAM). Also called: Lymphangioleiomyomatosis; Lymphangioleiomyomatosis, somatic. Identifiers: Orphanet 538, MedGen C0751674, MONDO:0011705, OMIM 606690.
Tuberous sclerosis 2 (TSC2). Identifiers: Orphanet 805, MedGen C1860707, MONDO:0013199, OMIM 613254.
Isolated focal cortical dysplasia type II (FCORD2). Also called: Focal cortical dysplasia type II; CORTICAL DYSPLASIA OF TAYLOR. Identifiers: Orphanet 268994, MedGen C1846385, MONDO:0011818, OMIM 607341, HP:0032051.
Hereditary cancer-predisposing syndrome. Also called: Neoplastic Syndromes, Hereditary; Tumor predisposition; Hereditary Cancer Syndrome; Hereditary neoplastic syndrome. Identifiers: Orphanet 140162, MedGen C0027672, MeSH D009386, MONDO:0015356.
Tuberous sclerosis syndrome (TSC). Also called: Tuberous Sclerosis Complex; Tuberous sclerosis. Identifiers: Orphanet 805, MedGen C0041341, MONDO:0001734.

Allele frequency attached by ClinVar (database versions not stated): gnomAD 0.00001; TOPMed 0.00005; gnomAD exomes 0.00001 and 0.00004; ExAC 0.00004.
gnomAD v4.1: 9 of 1,612,736 alleles (0.00056%); highest among the groups gnomAD compares: Admixed American, 0.015%; no homozygotes.

Submissions (11):

Labcorp Genetics (formerly Invitae), Labcorp
Classification: Benign for Tuberous sclerosis 2. Last evaluated: 2026-01-28. Review status: criteria provided, single submitter. Criteria: Invitae Variant Classification Sherloc (09022015). Collection method: clinical testing. Allele origin: germline.

Quest Diagnostics Nichols Institute San Juan Capistrano
Classification: Likely benign. Last evaluated: 2025-07-16. Review status: criteria provided, single submitter. Criteria: Quest Diagnostics criteria. Collection method: clinical testing. Allele origin: unknown.

Myriad Genetics, Inc.
Classification: Benign for Tuberous sclerosis 2. Last evaluated: 2025-06-04. Review status: criteria provided, single submitter. Criteria: Myriad Autosomal Dominant, Autosomal Recessive and X-Linked Classification Criteria (2023). Collection method: clinical testing. Allele origin: unknown.
Comment: This variant is considered benign. This variant is a silent/synonymous amino acid change and it is not expected to impact splicing.

All of Us Research Program, National Institutes of Health
Classification: Likely benign for Tuberous sclerosis syndrome. Last evaluated: 2023-12-18. Review status: criteria provided, single submitter. Criteria: ACMG Guidelines, 2015. Collection method: clinical testing. Allele origin: germline. Inheritance: Autosomal dominant inheritance. Observed: 7 variant alleles, 7 heterozygotes.
Comment: This study involves interpretation of variants in research participants for the purpose of population health screening. Participant phenotype was not available at the time of variant classification. Additional details can be found in publication PMID: 35346344, PMCID: PMC8962531

Blueprint Genetics
Classification: Likely benign. Last evaluated: 2023-09-20. Review status: criteria provided, single submitter. Criteria: ACMG Guidelines, 2015. Collection method: clinical testing. Allele origin: germline.

Color Diagnostics, LLC DBA Color Health
Classification: Likely benign for Tuberous sclerosis syndrome. Last evaluated: 2022-11-06. Review status: criteria provided, single submitter. Criteria: ACMG Guidelines, 2015. Collection method: clinical testing. Allele origin: germline.

Genome-Nilou Lab
Classification: Benign for Tuberous sclerosis 2. Last evaluated: 2021-11-07. Review status: criteria provided, single submitter. Criteria: ACMG Guidelines, 2015. Collection method: clinical testing. Allele origin: germline. Affected: no.

GeneDx
Classification: Likely benign. Last evaluated: 2021-10-15. Review status: criteria provided, single submitter. Criteria: GeneDx Variant Classification Process June 2021. Collection method: clinical testing. Allele origin: germline. Affected: yes.

Sema4
Classification: Benign for Hereditary cancer-predisposing syndrome. Last evaluated: 2021-05-14. Review status: criteria provided, single submitter. Criteria: Sema4 Curation Guidelines. Collection method: curation. Allele origin: germline.

Ambry Genetics
Classification: Likely benign for Hereditary cancer-predisposing syndrome. Last evaluated: 2018-12-12. Review status: criteria provided, single submitter. Criteria: Ambry Variant Classification Scheme 2023. Collection method: clinical testing. Allele origin: germline.

Center for Genomics, Ann and Robert H. Lurie Children's Hospital of Chicago
Classification: Likely benign for Lymphangiomyomatosis; Isolated focal cortical dysplasia type II; Tuberous sclerosis 2. Review status: criteria provided, single submitter. Criteria: ACMG Guidelines, 2015. Collection method: clinical testing. Allele origin: germline.
Comment: This variant has not been reported in the literature but is present in the Genome Aggregation Database (Highest reported MAF 0.006% [1/15286]). This variant is present in ClinVar, with several labs classifying this variant as Likely Benign or Benign (Variation ID: 536068). Evolutionary conservation and computational prediction tools for this variant are limited or unavailable. Of note, this is a silent variant and does not change the amino acid, reducing the probability that this variant is disease-causing. In summary, data on this variant suggests that this variant does not cause disease but requires further evidence. Therefore, this variant is classified as likely benign.